The following is an entry in ClinVar:

ClinVar aggregate classification (germline): Conflicting classifications of pathogenicity. Review status: criteria provided, conflicting classifications (1 of 4 stars). 3 submissions from 3 submitters: Uncertain significance (2); Benign (1). Last evaluated 2025-10-22.

Conditions:
Neurodevelopmental disorder with hypotonia, stereotypic hand movements, and impaired language. Also called: Intellectual disability, autosomal dominant 20. Identifiers: Orphanet 228384, Orphanet 664410, MedGen C3150700, MONDO:0013266, OMIM 613443.
Inborn genetic diseases. Identifiers: MedGen C0950123, MeSH D030342.

gnomAD v4.1: 4 of 1,536,460 alleles (0.00026%); highest among the groups gnomAD compares: Non-Finnish European, 0.00035%; no homozygotes.

Submissions (3):

Labcorp Genetics (formerly Invitae), Labcorp
Classification: Benign for Neurodevelopmental disorder with hypotonia, stereotypic hand movements, and impaired language. Last evaluated: 2025-10-22. Review status: criteria provided, single submitter. Criteria: Invitae Variant Classification Sherloc (09022015). Collection method: clinical testing. Allele origin: germline.

GeneDx
Classification: Uncertain significance. Last evaluated: 2022-01-10. Review status: criteria provided, single submitter. Criteria: GeneDx Variant Classification Process June 2021. Collection method: clinical testing. Allele origin: germline. Affected: yes.
Comment: Not observed at significant frequency in large population cohorts (gnomAD); In silico analysis supports that this missense variant does not alter protein structure/function; Has not been previously published as pathogenic or benign to our knowledge

Ambry Genetics
Classification: Uncertain significance for Inborn genetic diseases. Last evaluated: 2021-11-15. Review status: criteria provided, single submitter. Criteria: Ambry Variant Classification Scheme 2023. Collection method: clinical testing. Allele origin: germline.

NM_002397.5(MEF2C):c.1029C>G (p.His343Gln)

Gene: MEF2C (myocyte enhancer factor 2C; minus strand). Cytogenetic location: 5q14.3.
Variant type: single nucleotide variant.
Coding change: c.1029C>G on transcript NM_002397.5 (MANE Select); coding-DNA position 1029, C replaced by G.
Protein change: p.His343Gln; replaces histidine 343 with glutamine.
Molecular consequence: missense variant.
Genome position (GRCh38, 1-based): chr5:88,728,564, G>C on the plus strand (C>G on the coding strand, the complement: MEF2C is on the minus strand). VCF-style: chr5-88728564-G-C. GRCh37 (hg19) VCF-style: chr5-88024381-G-C.
Other names: p.H343Q:CAC>CAG; c.999C>G, p.His333Gln (NM_001131005.2, NM_001364343.2, NM_001364352.2); c.1059C>G, p.His353Gln (NM_001193347.1, NM_001364338.2); c.861C>G, p.His287Gln (NM_001193348.1); c.885C>G, p.His295Gln (NM_001193349.3, NM_001364332.2, NM_001364344.2 and 2 more transcripts); c.1029C>G, p.His343Gln (NM_001193350.2, NM_001363581.2, NM_001364329.2 and 9 more transcripts); c.1005C>G, p.His335Gln (NM_001308002.3, NM_001364333.2, NM_001364339.2 and 6 more transcripts); c.651C>G, p.His217Gln (NM_001364353.2, NM_001364356.2); and 2 more; short protein forms H333Q, H343Q, H217Q, H193Q, H287Q, H335Q, H353Q, H295Q.
Identifiers: ClinVar variation 206128 (VCV000206128.13), dbSNP rs796052727, ClinGen allele CA315913.